The following is an entry in ClinVar:

NM_000199.5(SGSH):c.1243_1244dup (p.Thr416fs)

Gene: SGSH (N-sulfoglucosamine sulfohydrolase; minus strand). Cytogenetic location: 17q25.3.
Variant type: Duplication.
Coding change: c.1243_1244dup on transcript NM_000199.5 (MANE Select); coding-DNA positions 1243 to 1244, 2 bases duplicated (AC; older notation c.1243_1244dupAC).
Protein change: p.Thr416fs; shifts the reading frame from threonine 416.
Molecular consequence: frameshift variant. On other transcripts: 3 prime UTR variant (2), non-coding transcript variant (1).
Genome position (GRCh38, 1-based): chr17:80,210,717-80,210,718, GT duplicated on the plus strand (AC on the coding strand, the reverse complement: SGSH is on the minus strand); duplicating any 2 consecutive bases within chr17:80,210,717-80,210,719 gives the same sequence; the c. name uses the placement nearest the transcript's 3' end. VCF-style (leftmost placement, unchanged base first): chr17-80210716-G-GGT. GRCh37 (hg19) VCF-style: chr17-78184515-G-GGT.
Other names: c.*330_*331dup (NM_001352921.3); c.*293_*294dup (NM_001352922.2); short protein forms T416fs.
Identifiers: ClinVar variation 3603295 (VCV003603295.1).

ClinVar aggregate classification (germline): Likely pathogenic (1 of 4 stars; one submission).

Conditions:
Mucopolysaccharidosis, MPS-III-A (MPS3A). Also called: Mucopolysaccharidosis type IIIA (Sanfilippo A); HEPARAN SULFATE SULFATASE DEFICIENCY; SANFILIPPO SYNDROME A; SULFAMIDASE DEFICIENCY; MPS III A; Mucopolysaccharidosis, type IIIA. Identifiers: Orphanet 581, Orphanet 79269, MedGen C0086647, MONDO:0009655, OMIM 252900.

Submission:

Neuberg Centre For Genomic Medicine, NCGM
Classification: Likely pathogenic for Mucopolysaccharidosis, MPS-III-A. Review status: criteria provided, single submitter. Criteria: ACMG Guidelines, 2015. Collection method: clinical testing. Allele origin: germline. Inheritance: Autosomal recessive inheritance. Affected: yes.
Comment: The frameshift c.1243_1244dup (p.Thr416ProfsTer176) variant in SGSH gene has not been reported previously as a pathogenic variant nor as a benign variant, to our knowledge. The p.Thr416ProfsTer176 variant is absent in gnomAD Exomes. This variant has not been submitted to the ClinVar database. This variant causes a frameshift starting with codon Threonine 416, changes this amino acid to Proline residue, and creates a premature Stop codon at position 176 of the new reading frame, denoted p.Thr416ProfsTer176. This variant is predicted to cause loss of normal protein function through protein truncation. Loss of function variants have been previously reported to be disease causing. Functional studies are required to prove the pathogenicity for the variant, for these reasons, this variant has been classified as Likely Pathogenic.